The following is an entry in ClinVar:

ClinVar aggregate classification (germline): Uncertain significance (1 of 4 stars; one submission).

Conditions:
Inborn genetic diseases. Identifiers: MedGen C0950123, MeSH D030342.

Submission:

Ambry Genetics
Classification: Uncertain significance for Inborn genetic diseases. Last evaluated: 2024-08-27. Review status: criteria provided, single submitter. Criteria: Ambry Variant Classification Scheme 2023. Collection method: clinical testing. Allele origin: germline.
Comment: The p.Y352H variant (also known as c.1054T>C), located in coding exon 4 of the ATR gene, results from a T to C substitution at nucleotide position 1054. The tyrosine at codon 352 is replaced by histidine, an amino acid with similar properties. This amino acid position is conserved. In addition, the in silico prediction for this alteration is inconclusive. Based on the available evidence, the clinical significance of this variant remains unclear.

NM_001184.4(ATR):c.1054T>C (p.Tyr352His)

Gene: ATR (ATR serine/threonine kinase; minus strand). Cytogenetic location: 3q23.
Variant type: single nucleotide variant.
Coding change: c.1054T>C on transcript NM_001184.4 (MANE Select); coding-DNA position 1054, T replaced by C.
Protein change: p.Tyr352His; replaces tyrosine 352 with histidine.
Molecular consequence: missense variant.
Genome position (GRCh38, 1-based): chr3:142,562,348, A>G on the plus strand (T>C on the coding strand, the complement: ATR is on the minus strand). VCF-style: chr3-142562348-A-G. GRCh37 (hg19) VCF-style: chr3-142281190-A-G.
Other names: c.1054T>C, p.Tyr352His (NM_001354579.2); short protein forms Y352H.
Identifiers: ClinVar variation 3462557 (VCV003462557.1).